The following is an entry in ClinVar:

NM_020810.3(TRMT5):c.446A>T (p.Asp149Val)

Gene: TRMT5 (tRNA methyltransferase 5; minus strand). Cytogenetic location: 14q23.1.
Variant type: single nucleotide variant.
Coding change: c.446A>T on transcript NM_020810.3 (MANE Select); coding-DNA position 446, A replaced by T.
Protein change: p.Asp149Val; replaces aspartic acid 149 with valine.
Molecular consequence: missense variant.
Genome position (GRCh38, 1-based): chr14:60,979,452, T>A on the plus strand (A>T on the coding strand, the complement: TRMT5 is on the minus strand). VCF-style: chr14-60979452-T-A. GRCh37 (hg19) VCF-style: chr14-61446170-T-A.
Other names: c.530A>T, p.Asp177Val (NM_001350253.1); c.527A>T, p.Asp176Val (NM_001350254.1); short protein forms D149V, D176V, D177V.
Identifiers: ClinVar variation 2052051 (VCV002052051.4), dbSNP rs1173547085, ClinGen allele CA389920892.
Genomic context (GRCh38, chr14:60,979,452, plus strand): 5'-GAGATCTGTGGACTGACATTAAGCTGCTCTAAAACACTGAGTTCTGCTTTCTCAAAGGAA[T>A]CATGAGTAAATATTTTATAGGGATCCAACATGATTAGTCTACTTTCTTTATCTTCCGGAT-3'
Protein context (NP_065861.3, residues 139-159): MLDPYKIFTH[Asp149Val]SFEKAELSVL

ClinVar aggregate classification (germline): Uncertain significance (1 of 4 stars; one submission).

Allele frequency attached by ClinVar (database versions not stated): gnomAD exomes below 0.00001; TOPMed below 0.00001.
gnomAD v4.1: 5 of 1,614,214 alleles (0.00031%); highest among the groups gnomAD compares: Non-Finnish European, 0.00042%; no homozygotes.

Submission:

Labcorp Genetics (formerly Invitae), Labcorp
Classification: Uncertain significance. Last evaluated: 2025-10-02. Review status: criteria provided, single submitter. Criteria: Invitae Variant Classification Sherloc (09022015). Collection method: clinical testing. Allele origin: germline.
Comment: This sequence change replaces aspartic acid, which is acidic and polar, with valine, which is neutral and non-polar, at codon 149 of the TRMT5 protein (p.Asp149Val). This variant is present in population databases (no rsID available, gnomAD 0.002%). This variant has not been reported in the literature in individuals affected with TRMT5-related conditions. ClinVar contains an entry for this variant (Variation ID: 2052051). Invitae Evidence Modeling of protein sequence and biophysical properties (such as structural, functional, and spatial information, amino acid conservation, physicochemical variation, residue mobility, and thermodynamic stability) indicates that this missense variant is not expected to disrupt TRMT5 protein function with a negative predictive value of 80%. In summary, the available evidence is currently insufficient to determine the role of this variant in disease. Therefore, it has been classified as a Variant of Uncertain Significance.